The following is an entry in ClinVar:

NM_000255.4(MMUT):c.1942G>A (p.Gly648Ser)

Gene: MMUT (methylmalonyl-CoA mutase; minus strand). Cytogenetic location: 6p12.3.
Variant type: single nucleotide variant.
Coding change: c.1942G>A on transcript NM_000255.4 (MANE Select); coding-DNA position 1942, G replaced by A.
Protein change: p.Gly648Ser; replaces glycine 648 with serine.
Molecular consequence: missense variant.
Genome position (GRCh38, 1-based): chr6:49,440,220, C>T on the plus strand (G>A on the coding strand, the complement: MMUT is on the minus strand). VCF-style: chr6-49440220-C-T. GRCh37 (hg19) VCF-style: chr6-49407933-C-T.
Other names: c.1942G>A (NM_000255.3); short protein forms G648S.
Identifiers: ClinVar variation 2040994 (VCV002040994.9), dbSNP rs751804284, ClinGen allele CA3846710.

ClinVar aggregate classification (germline): Conflicting classifications of pathogenicity. Review status: criteria provided, conflicting classifications (1 of 4 stars). 4 submissions from 4 submitters: Likely pathogenic (1); Uncertain significance (3). Last evaluated 2025-11-04.

Conditions:
Methylmalonic aciduria due to methylmalonyl-CoA mutase deficiency (MAMM). Also called: Methylmalonic aciduria, mut type. Identifiers: Orphanet 27, MedGen C1855114, MONDO:0009612, OMIM 251000.

Allele frequency attached by ClinVar (database versions not stated): gnomAD exomes 0.00001; ExAC 0.00002; gnomAD 0.00006; TOPMed 0.00008.
gnomAD v4.1: 26 of 1,613,908 alleles (0.0016%); highest among the groups gnomAD compares: African/African-American, 0.02%; no homozygotes.

Submissions (4):

Myriad Genetics, Inc.
Classification: Uncertain significance for Methylmalonic aciduria due to methylmalonyl-CoA mutase deficiency. Last evaluated: 2025-11-04. Review status: criteria provided, single submitter. Criteria: Myriad Autosomal Dominant, Autosomal Recessive and X-Linked Classification Criteria (2023). Collection method: clinical testing. Allele origin: unknown.
Comment: NM_000255.3(MMUT):c.1942G>A(G648S) is a missense variant classified as a variant of uncertain significance in the context of methylmalonic acidemia, MMUT-related. G648S has not been observed in cases with relevant disease. Relevant functional assessments of this variant are not available in the literature. G648S has been observed in referenced population frequency databases. In summary, there is insufficient evidence to classify NM_000255.3(MMUT):c.1942G>A(G648S) as pathogenic or benign. Please note: this variant was assessed in the context of healthy population screening.

Labcorp Genetics (formerly Invitae), Labcorp
Classification: Likely pathogenic. Last evaluated: 2025-09-08. Review status: criteria provided, single submitter. Criteria: Invitae Variant Classification Sherloc (09022015). Collection method: clinical testing. Allele origin: germline.
Comment: This sequence change replaces glycine, which is neutral and non-polar, with serine, which is neutral and polar, at codon 648 of the MUT protein (p.Gly648Ser). This variant is present in population databases (rs751804284, gnomAD 0.008%). This variant has not been reported in the literature in individuals affected with MUT-related conditions. ClinVar contains an entry for this variant (Variation ID: 2040994). Invitae Evidence Modeling of protein sequence and biophysical properties (such as structural, functional, and spatial information, amino acid conservation, physicochemical variation, residue mobility, and thermodynamic stability) indicates that this missense variant is expected to disrupt MUT protein function with a positive predictive value of 95%. This variant disrupts the p.Gly648 amino acid residue in MUT. Other variant(s) that disrupt this residue have been determined to be pathogenic (PMID: 16490061, 23430940, 26454439, 28811685). This suggests that this residue is clinically significant, and that variants that disrupt this residue are likely to be disease-causing. In summary, the currently available evidence indicates that the variant is pathogenic, but additional data are needed to prove that conclusively. Therefore, this variant has been classified as Likely Pathogenic.

Dasa
Classification: Uncertain significance. Last evaluated: 2025-07-21. Review status: criteria provided, single submitter. Criteria: DASA Assertion Criteria. Collection method: clinical testing. Allele origin: germline.
Comment: NM_000255.4(MMUT):c.1942G>A (p.Gly648Ser) is a missense variant that results in the substitution of glycine with serine. The affected residue or protein region has prior evidence supporting clinical relevance. This variant is rare in population databases. Computational prediction algorithms are consistent with a deleterious effect. The currently available literature and clinical evidence are not sufficient to establish a definitive association between this variant and the reported condition. Therefore, this variant is classified as a variant of uncertain significance.

Women's Health and Genetics/Laboratory Corporation of America, LabCorp
Classification: Uncertain significance. Last evaluated: 2025-05-02. Review status: criteria provided, single submitter. Criteria: LabCorp Variant Classification Summary - May 2015. Collection method: clinical testing. Allele origin: germline.
Comment: Variant summary: MMUT c.1942G>A (p.Gly648Ser) results in a non-conservative amino acid change located in the cobalamin (vitamin B12)-binding domain (IPR006158) of the encoded protein sequence. Algorithms developed to predict the effect of missense changes on protein structure and function all suggest that this variant is likely to be disruptive. The variant was absent in 251366 control chromosomes. The available data on variant occurrences in the general population are insufficient to allow any conclusion about variant significance. To our knowledge, no occurrence of c.1942G>A in individuals affected with Methylmalonic Acidemia and no experimental evidence demonstrating its impact on protein function have been reported. ClinVar contains an entry for this variant (Variation ID: 2040994). Based on the evidence outlined above, the variant was classified as uncertain significance.

Literature cited by the submitters: PubMed 16490061 (cited by Labcorp Genetics (formerly Invitae), Labcorp); PubMed 23430940 (cited by Labcorp Genetics (formerly Invitae), Labcorp); PubMed 26454439 (cited by Labcorp Genetics (formerly Invitae), Labcorp); PubMed 28811685 (cited by Labcorp Genetics (formerly Invitae), Labcorp).